The following is an entry in ClinVar:

ClinVar aggregate classification (germline): Uncertain significance (1 of 4 stars; one submission).

Allele frequency attached by ClinVar (database versions not stated): gnomAD 0.00001.
gnomAD v4.1: 2 of 1,581,458 alleles (0.00013%); highest among the groups gnomAD compares: African/African-American, 0.0027%; no homozygotes.

Submission:

Labcorp Genetics (formerly Invitae), Labcorp
Classification: Uncertain significance. Last evaluated: 2023-06-16. Review status: criteria provided, single submitter. Criteria: Invitae Variant Classification Sherloc (09022015). Collection method: clinical testing. Allele origin: germline.
Comment: This sequence change replaces glycine, which is neutral and non-polar, with alanine, which is neutral and non-polar, at codon 371 of the C9 protein (p.Gly371Ala). This variant is not present in population databases (gnomAD no frequency). This variant has not been reported in the literature in individuals affected with C9-related conditions. An algorithm developed to predict the effect of missense changes on protein structure and function (PolyPhen-2) suggests that this variant is likely to be disruptive. Algorithms developed to predict the effect of sequence changes on RNA splicing suggest that this variant may disrupt the consensus splice site. In summary, the available evidence is currently insufficient to determine the role of this variant in disease. Therefore, it has been classified as a Variant of Uncertain Significance.

NM_001737.5(C9):c.1112G>C (p.Gly371Ala)

Gene: C9 (complement C9; minus strand). Cytogenetic location: 5p13.1.
Variant type: single nucleotide variant.
Coding change: c.1112G>C on transcript NM_001737.5 (MANE Select); coding-DNA position 1112, G replaced by C.
Protein change: p.Gly371Ala; replaces glycine 371 with alanine.
Molecular consequence: missense variant.
Genome position (GRCh38, 1-based): chr5:39,308,358, C>G on the plus strand (G>C on the coding strand, the complement: C9 is on the minus strand). VCF-style: chr5-39308358-C-G. GRCh37 (hg19) VCF-style: chr5-39308460-C-G.
Other names: short protein forms G371A.
Identifiers: ClinVar variation 2977419 (VCV002977419.2), dbSNP rs1753418418, ClinGen allele CA359554894.
Genomic context (GRCh38, chr5:39,308,358, plus strand): 5'-AAAGCCAGAGATACATCCAGATGATACCCAAGGCATCTCTTTATGTCTTTTAGTTCAACA[C>G]CTGTTTAATGAATTTATTTGAAAATTATTAGATAATGTCTACCAACATCACAAATAAATT-3'
Protein context (NP_001728.1, residues 361-381): VLDKASMKRK[Gly371Ala]VELKDIKRCL